The following is an entry in ClinVar:

NM_024685.4(BBS10):c.187C>T (p.Pro63Ser)

Gene: BBS10 (Bardet-Biedl syndrome 10; minus strand). Cytogenetic location: 12q21.2.
Variant type: single nucleotide variant.
Coding change: c.187C>T on transcript NM_024685.4 (MANE Select); coding-DNA position 187, C replaced by T.
Protein change: p.Pro63Ser; replaces proline 63 with serine.
Molecular consequence: missense variant.
Genome position (GRCh38, 1-based): chr12:76,348,172, G>A on the plus strand (C>T on the coding strand, the complement: BBS10 is on the minus strand). VCF-style: chr12-76348172-G-A. GRCh37 (hg19) VCF-style: chr12-76741952-G-A.
Other names: short protein forms P63S.
Identifiers: ClinVar variation 3355335 (VCV003355335.4).

ClinVar aggregate classification (germline): Uncertain significance. Review status: criteria provided, multiple submitters, no conflicts (2 of 4 stars). 3 submissions from 3 submitters: Uncertain significance (2). 1 of the submissions does not count toward it. Last evaluated 2025-05-05.

Conditions:
BBS10-related disorder. Also called: BBS10-related condition.
Bardet-Biedl syndrome (BBS). Identifiers: Orphanet 110, MedGen C0752166, MONDO:0015229.

gnomAD v4.1: 7 of 1,610,350 alleles (0.00043%); highest among the groups gnomAD compares: African/African-American, 0.0094%; no homozygotes.

Submissions (3):

Labcorp Genetics (formerly Invitae), Labcorp
Classification: Uncertain significance for Bardet-Biedl syndrome. Last evaluated: 2025-05-05. Review status: criteria provided, single submitter. Criteria: Invitae Variant Classification Sherloc (09022015). Collection method: clinical testing. Allele origin: germline.
Comment: This sequence change replaces proline, which is neutral and non-polar, with serine, which is neutral and polar, at codon 63 of the BBS10 protein (p.Pro63Ser). This variant is not present in population databases (gnomAD no frequency). This variant has not been reported in the literature in individuals affected with BBS10-related conditions. ClinVar contains an entry for this variant (Variation ID: 3355335). Invitae Evidence Modeling of protein sequence and biophysical properties (such as structural, functional, and spatial information, amino acid conservation, physicochemical variation, residue mobility, and thermodynamic stability) indicates that this missense variant is expected to disrupt BBS10 protein function with a positive predictive value of 80%. In summary, the available evidence is currently insufficient to determine the role of this variant in disease. Therefore, it has been classified as a Variant of Uncertain Significance.

Blueprint Genetics
Classification: Uncertain significance. Last evaluated: 2023-12-19. Review status: criteria provided, single submitter. Criteria: ACMG Guidelines, 2015. Collection method: clinical testing. Allele origin: germline.

PreventionGenetics, part of Exact Sciences
Classification: Uncertain significance for BBS10-related condition. Last evaluated: 2023-12-14. Review status: no assertion criteria provided. Collection method: clinical testing. Allele origin: germline. Not counted in ClinVar's aggregate classification.
Comment: The BBS10 c.187C>T variant is predicted to result in the amino acid substitution p.Pro63Ser. To our knowledge, this variant has not been reported in the literature or in a large population database, indicating this variant is rare. At this time, the clinical significance of this variant is uncertain due to the absence of conclusive functional and genetic evidence.